The following is an entry in ClinVar:

ClinVar aggregate classification (germline): Uncertain significance (1 of 4 stars; one submission).

gnomAD v4.1: 4 of 1,613,496 alleles (0.00025%); highest among the groups gnomAD compares: Admixed American, 0.0017%; no homozygotes.

Submission:

Ambry Genetics
Classification: Uncertain significance. Last evaluated: 2021-10-11. Review status: criteria provided, single submitter. Criteria: Ambry Variant Classification Scheme 2023. Collection method: clinical testing. Allele origin: germline.
Comment: The p.M536I variant (also known as c.1608G>A), located in coding exon 16 of the NEBL gene, results from a G to A substitution at nucleotide position 1608. The methionine at codon 536 is replaced by isoleucine, an amino acid with highly similar properties. This amino acid position is conserved. In addition, this alteration is predicted to be tolerated by in silico analysis. Since supporting evidence is limited at this time, the clinical significance of this alteration remains unclear.

NM_006393.3(NEBL):c.1608G>A (p.Met536Ile)

Gene: NEBL (nebulette; minus strand). Cytogenetic location: 10p12.31.
Variant type: single nucleotide variant.
Coding change: c.1608G>A on transcript NM_006393.3 (MANE Select); coding-DNA position 1608, G replaced by A.
Protein change: p.Met536Ile; replaces methionine 536 with isoleucine.
Molecular consequence: missense variant. On other transcripts: intron variant (9).
Genome position (GRCh38, 1-based): chr10:20,831,259, C>T on the plus strand (G>A on the coding strand, the complement: NEBL is on the minus strand). VCF-style: chr10-20831259-C-T. GRCh37 (hg19) VCF-style: chr10-21120188-C-T.
Other names: c.250-18319G>A (NM_001377326.1, NM_001377327.1, NM_001377328.1); c.358-18319G>A (NM_213569.2, NM_001173484.2, NM_001377322.1); c.301-18319G>A (NM_001377324.1); c.292-18319G>A (NM_001377325.1); c.310-18319G>A (NM_001377323.1); short protein forms M536I.
Identifiers: ClinVar variation 1776338 (VCV001776338.2), dbSNP rs794729078, ClinGen allele CA376097204.